The following is an entry in ClinVar:

NR_003051.4(RMRP):n.135C>T

Gene: RMRP (RNA component of mitochondrial RNA processing endoribonuclease; minus strand). Cytogenetic location: 9p13.3.
Variant type: single nucleotide variant.
Molecular consequence: non-coding transcript variant (on NR_003051.4).
Genome position: GRCh38 VCF-style: chr9-35657885-G-A. GRCh37 (hg19) VCF-style: chr9-35657882-G-A.
Identifiers: ClinVar variation 4753078 (VCV004753078.1).

ClinVar aggregate classification (germline): Uncertain significance (1 of 4 stars; one submission).

Conditions:
Anauxetic dysplasia. Identifiers: Orphanet 93347, MedGen C1846796, MONDO:0011773.

gnomAD v4.1: 3 of 695,524 alleles (0.00043%); highest among the groups gnomAD compares: Non-Finnish European, 0.00052%; no homozygotes.

Submission:

Labcorp Genetics (formerly Invitae), Labcorp
Classification: Uncertain significance for Anauxetic dysplasia. Last evaluated: 2025-05-13. Review status: criteria provided, single submitter. Criteria: Invitae Variant Classification Sherloc (09022015). Collection method: clinical testing. Allele origin: germline.
Comment: This variant occurs in the RMRP gene, which encodes an RNA molecule that does not result in a protein product. This variant is not present in population databases (gnomAD no frequency). This variant has not been reported in the literature in individuals affected with RMRP-related conditions. Experimental studies and prediction algorithms are not available or were not evaluated, and the functional significance of this variant is currently unknown. In summary, the available evidence is currently insufficient to determine the role of this variant in disease. Therefore, it has been classified as a Variant of Uncertain Significance.